The following is an entry in ClinVar:

NM_006767.4(LZTR1):c.1619A>T (p.His540Leu)

Gene: LZTR1 (leucine zipper like post translational regulator 1; plus strand). Cytogenetic location: 22q11.21.
Variant type: single nucleotide variant.
Coding change: c.1619A>T on transcript NM_006767.4 (MANE Select); coding-DNA position 1619, A replaced by T.
Protein change: p.His540Leu; replaces histidine 540 with leucine.
Molecular consequence: missense variant.
Genome position (GRCh38, 1-based): chr22:20,994,561, A>T. VCF-style: chr22-20994561-A-T. GRCh37 (hg19) VCF-style: chr22-21348850-A-T.
Other names: short protein forms H540L.
Identifiers: ClinVar variation 2318891 (VCV002318891.3), dbSNP rs2518621630, ClinGen allele CA410776453.

ClinVar aggregate classification (germline): Uncertain significance (1 of 4 stars; one submission).

Conditions:
Cardiovascular phenotype. Identifiers: MedGen CN230736.
Hereditary cancer-predisposing syndrome. Also called: Tumor predisposition; Hereditary Cancer Syndrome; Hereditary neoplastic syndrome; Neoplastic Syndromes, Hereditary. Identifiers: Orphanet 140162, MedGen C0027672, MeSH D009386, MONDO:0015356.

Submission:

Ambry Genetics
Classification: Uncertain significance for Cardiovascular phenotype; Hereditary cancer-predisposing syndrome. Last evaluated: 2026-06-10. Review status: criteria provided, single submitter. Criteria: Ambry Variant Classification Scheme 2023. Collection method: clinical testing. Allele origin: germline.
Comment: The p.H540L variant (also known as c.1619A>T), located in coding exon 15 of the LZTR1 gene, results from an A to T substitution at nucleotide position 1619. The histidine at codon 540 is replaced by leucine, an amino acid with similar properties. This amino acid position is conserved. In addition, the in silico prediction for this alteration is inconclusive. Based on the available evidence, the clinical significance of this variant remains unclear.